The following is an entry in ClinVar:

ClinVar aggregate classification (germline): Uncertain significance. Review status: criteria provided, multiple submitters, no conflicts (2 of 4 stars). 4 submissions from 4 submitters: Uncertain significance (3). 1 of the submissions does not count toward it. Last evaluated 2024-09-06.

Conditions:
Nephrotic syndrome 15. Identifiers: MedGen C4539896, MONDO:0033262, OMIM 617609.

Allele frequency attached by ClinVar (database versions not stated): TOPMed 0.00009; 1000 Genomes Project 30x 0.00016.
gnomAD v4.1: 221 of 1,612,838 alleles (0.014%); highest among the groups gnomAD compares: East Asian, 0.37%; no homozygotes.

Submissions (4):

Labcorp Genetics (formerly Invitae), Labcorp
Classification: Uncertain significance. Last evaluated: 2024-09-06. Review status: criteria provided, single submitter. Criteria: Invitae Variant Classification Sherloc (09022015). Collection method: clinical testing. Allele origin: germline.
Comment: This sequence change replaces proline, which is neutral and non-polar, with histidine, which is basic and polar, at codon 908 of the MAGI2 protein (p.Pro908His). This variant is present in population databases (rs150080418, gnomAD 0.09%). This variant has not been reported in the literature in individuals affected with MAGI2-related conditions. ClinVar contains an entry for this variant (Variation ID: 129562). An algorithm developed to predict the effect of missense changes on protein structure and function (PolyPhen-2) suggests that this variant is likely to be disruptive. In summary, the available evidence is currently insufficient to determine the role of this variant in disease. Therefore, it has been classified as a Variant of Uncertain Significance.

Fulgent Genetics
Classification: Uncertain significance for Nephrotic syndrome 15. Last evaluated: 2024-06-04. Review status: criteria provided, single submitter. Criteria: ACMG Guidelines, 2015. Collection method: clinical testing. Allele origin: germline.

Blueprint Genetics
Classification: Uncertain significance. Last evaluated: 2024-02-08. Review status: criteria provided, single submitter. Criteria: ACMG Guidelines, 2015. Collection method: clinical testing. Allele origin: germline.

Genetic Services Laboratory, University of Chicago
Classification: Likely benign for AllHighlyPenetrant. Review status: no assertion criteria provided. Collection method: clinical testing. Allele origin: germline. Inheritance: Autosomal dominant inheritance. Not counted in ClinVar's aggregate classification.
Comment: Likely benign based on allele frequency in 1000 Genomes Project or ESP global frequency and its presence in a patient with a rare or unrelated disease phenotype. NOT Sanger confirmed.

NM_012301.4(MAGI2):c.2723C>A (p.Pro908His)

Gene: MAGI2 (membrane associated guanylate kinase, WW and PDZ domain containing 2; minus strand). Cytogenetic location: 7q21.11.
Variant type: single nucleotide variant.
Coding change: c.2723C>A on transcript NM_012301.4 (MANE Select); coding-DNA position 2723, C replaced by A.
Protein change: p.Pro908His; replaces proline 908 with histidine.
Molecular consequence: missense variant.
Genome position (GRCh38, 1-based): chr7:78,160,147, G>T on the plus strand (C>A on the coding strand, the complement: MAGI2 is on the minus strand). VCF-style: chr7-78160147-G-T. GRCh37 (hg19) VCF-style: chr7-77789464-G-T.
Other names: c.2681C>A, p.Pro894His (NM_001301128.2); short protein forms P908H, P894H.
Identifiers: ClinVar variation 129562 (VCV000129562.10), dbSNP rs150080418, ClinGen allele CA153636.